The following is an entry in ClinVar:

ClinVar aggregate classification (germline): Uncertain significance. Review status: criteria provided, multiple submitters, no conflicts (2 of 4 stars). 3 submissions from 3 submitters: Uncertain significance (2). 1 of the submissions does not count toward it. Last evaluated 2023-05-05.

Conditions:
Achromatopsia. Also called: Rod monochromatism. Identifiers: Orphanet 49382, MedGen C0152200, MONDO:0018852, HP:0011516.

Allele frequency attached by ClinVar (database versions not stated): gnomAD 0.00001; TOPMed 0.00001; ExAC 0.00002; gnomAD exomes 0.00002.

Submissions (3):

Blueprint Genetics
Classification: Uncertain significance. Last evaluated: 2023-05-05. Review status: criteria provided, single submitter. Criteria: ACMG Guidelines, 2015. Collection method: clinical testing. Allele origin: germline.

Labcorp Genetics (formerly Invitae), Labcorp
Classification: Uncertain significance. Last evaluated: 2022-03-09. Review status: criteria provided, single submitter. Criteria: Invitae Variant Classification Sherloc (09022015). Collection method: clinical testing. Allele origin: germline.
Comment: This sequence change replaces tyrosine, which is neutral and polar, with cysteine, which is neutral and slightly polar, at codon 351 of the CNGB3 protein (p.Tyr351Cys). This variant is present in population databases (rs777359145, gnomAD 0.006%). This variant has not been reported in the literature in individuals affected with CNGB3-related conditions. ClinVar contains an entry for this variant (Variation ID: 963239). Advanced modeling of protein sequence and biophysical properties (such as structural, functional, and spatial information, amino acid conservation, physicochemical variation, residue mobility, and thermodynamic stability) performed at Invitae indicates that this missense variant is expected to disrupt CNGB3 protein function. In summary, the available evidence is currently insufficient to determine the role of this variant in disease. Therefore, it has been classified as a Variant of Uncertain Significance.

Natera, Inc.
Classification: Uncertain significance for Achromatopsia. Last evaluated: 2020-11-26. Review status: no assertion criteria provided. Collection method: clinical testing. Allele origin: germline. Not counted in ClinVar's aggregate classification.

NM_019098.5(CNGB3):c.1052A>G (p.Tyr351Cys)

Gene: CNGB3 (cyclic nucleotide gated channel subunit beta 3; minus strand). Cytogenetic location: 8q21.3.
Variant type: single nucleotide variant.
Coding change: c.1052A>G on transcript NM_019098.5 (MANE Select); coding-DNA position 1052, A replaced by G.
Protein change: p.Tyr351Cys; replaces tyrosine 351 with cysteine.
Molecular consequence: missense variant.
Genome position (GRCh38, 1-based): chr8:86,644,625, T>C on the plus strand (A>G on the coding strand, the complement: CNGB3 is on the minus strand). VCF-style: chr8-86644625-T-C. GRCh37 (hg19) VCF-style: chr8-87656853-T-C.
Other names: short protein forms Y351C.
Identifiers: ClinVar variation 963239 (VCV000963239.7), dbSNP rs777359145, ClinGen allele CA4800174.